The following is an entry in ClinVar:

NC_000019.10:g.48965263G>A

Genes: FTL (ferritin light chain; plus strand), LOC130064891 (ATAC-STARR-seq lymphoblastoid silent region 10909; plus strand). Cytogenetic location: 19q13.33.
Variant type: single nucleotide variant.
Genome position: GRCh38 VCF-style: chr19-48965263-G-A. GRCh37 (hg19) VCF-style: chr19-49468520-G-A.
Identifiers: ClinVar variation 1464202 (VCV001464202.6), dbSNP rs1034875270, ClinGen allele CA883052034.
Genomic context (GRCh38, chr19:48,965,263, plus strand): 5'-TCGGCCCCGCCTCCTGCCACCGCAGATTGGCCGCTAGCCCTCCCCGAGCGCCCTGCCTCC[G>A]AGGGCCGGCGCACCATAAAAGAAGCCGCCCTAGCCACGTCCCCTCGCAGTTCGGCGGTCC-3'

ClinVar aggregate classification (germline): Uncertain significance (1 of 4 stars; one submission).

Conditions:
Hereditary hyperferritinemia with congenital cataracts. Also called: Hereditary hyperferritinemia cataract syndrome; Bonneau-Beaumont syndrome; HYPERFERRITINEMIA WITH OR WITHOUT CATARACT. Identifiers: Orphanet 163, MedGen C1833213, MONDO:0010952, OMIM 600886.
Neuroferritinopathy (NBIA3). Also called: NEURODEGENERATION WITH BRAIN IRON ACCUMULATION 3; BASAL GANGLIA DISEASE, ADULT-ONSET. Identifiers: Orphanet 157846, MedGen C1853578, MONDO:0011638, OMIM 606159.

Submission:

Labcorp Genetics (formerly Invitae), Labcorp
Classification: Uncertain significance for Neuroferritinopathy; Hereditary hyperferritinemia with congenital cataracts. Last evaluated: 2024-10-15. Review status: criteria provided, single submitter. Criteria: Invitae Variant Classification Sherloc (09022015). Collection method: clinical testing. Allele origin: germline.
Comment: This variant occurs in a non-coding region of the FTL gene. It does not change the encoded amino acid sequence of the FTL protein. This variant is not present in population databases (gnomAD no frequency). This variant has not been reported in the literature in individuals affected with FTL-related conditions. Experimental studies and prediction algorithms are not available or were not evaluated, and the functional significance of this variant is currently unknown. In summary, the available evidence is currently insufficient to determine the role of this variant in disease. Therefore, it has been classified as a Variant of Uncertain Significance.